The following is an entry in ClinVar:

ClinVar aggregate classification (germline): Uncertain significance. Review status: criteria provided, multiple submitters, no conflicts (2 of 4 stars). 5 submissions from 4 submitters: Uncertain significance (5). Last evaluated 2024-12-16.

Conditions:
Inborn genetic diseases. Identifiers: MedGen C0950123, MeSH D030342.
Ectopia lentis et pupillae. Also called: ECTOPIA LENTIS WITH ECTOPIA OF PUPIL. Identifiers: Orphanet 1885, MedGen C1644196, MONDO:0009153, OMIM 225200.
Ectopia lentis 2, isolated, autosomal recessive (ECTOL2). Identifiers: Orphanet 1885, MedGen C3541474, MONDO:0009152, OMIM 225100.

Allele frequency attached by ClinVar (database versions not stated): gnomAD exomes 0.00002; ExAC 0.00004; gnomAD 0.00004; TOPMed 0.00004; 1000 Genomes Project 0.00020; 1000 Genomes Project 30x 0.00031.
gnomAD v4.1: 65 of 1,613,466 alleles (0.004%); highest among the groups gnomAD compares: Middle Eastern, 0.033%; no homozygotes.

Submissions (5):

Labcorp Genetics (formerly Invitae), Labcorp
Classification: Uncertain significance. Last evaluated: 2024-12-16. Review status: criteria provided, single submitter. Criteria: Invitae Variant Classification Sherloc (09022015). Collection method: clinical testing. Allele origin: germline.
Comment: This sequence change replaces arginine, which is basic and polar, with glutamine, which is neutral and polar, at codon 973 of the ADAMTSL4 protein (p.Arg973Gln). This variant is present in population databases (rs587619905, gnomAD 0.007%). This variant has not been reported in the literature in individuals affected with ADAMTSL4-related conditions. ClinVar contains an entry for this variant (Variation ID: 875435). Invitae Evidence Modeling of protein sequence and biophysical properties (such as structural, functional, and spatial information, amino acid conservation, physicochemical variation, residue mobility, and thermodynamic stability) indicates that this missense variant is not expected to disrupt ADAMTSL4 protein function with a negative predictive value of 80%. In summary, the available evidence is currently insufficient to determine the role of this variant in disease. Therefore, it has been classified as a Variant of Uncertain Significance.

Ambry Genetics
Classification: Uncertain significance for Inborn genetic diseases. Last evaluated: 2023-10-05. Review status: criteria provided, single submitter. Criteria: Ambry Variant Classification Scheme 2023. Collection method: clinical testing. Allele origin: germline.

Genome-Nilou Lab
Classification: Uncertain significance for Ectopia lentis et pupillae. Last evaluated: 2023-04-11. Review status: criteria provided, single submitter. Criteria: ACMG Guidelines, 2015. Collection method: clinical testing. Allele origin: germline. Affected: no.

Genome-Nilou Lab
Classification: Uncertain significance for Ectopia lentis 2, isolated, autosomal recessive. Last evaluated: 2023-04-11. Review status: criteria provided, single submitter. Criteria: ACMG Guidelines, 2015. Collection method: clinical testing. Allele origin: germline. Affected: no.

Illumina Laboratory Services, Illumina
Classification: Uncertain significance for Ectopia lentis 2, isolated, autosomal recessive. Last evaluated: 2018-01-13. Review status: criteria provided, single submitter. Criteria: ICSL Variant Classification Criteria 13 December 2019. Collection method: clinical testing. Allele origin: germline.

NM_019032.6(ADAMTSL4):c.2918G>A (p.Arg973Gln)

Gene: ADAMTSL4 (ADAMTS like 4; plus strand). Cytogenetic location: 1q21.2.
Variant type: single nucleotide variant.
Coding change: c.2918G>A on transcript NM_019032.6 (MANE Select); coding-DNA position 2918, G replaced by A.
Protein change: p.Arg973Gln; replaces arginine 973 with glutamine.
Molecular consequence: missense variant.
Genome position (GRCh38, 1-based): chr1:150,559,441, G>A. VCF-style: chr1-150559441-G-A. GRCh37 (hg19) VCF-style: chr1-150531917-G-A.
Other names: c.2801G>A, p.Arg934Gln (NM_001288607.2); c.2987G>A, p.Arg996Gln (NM_001288608.2); c.2918G>A, p.Arg973Gln (NM_001378596.1); short protein forms R996Q, R934Q, R973Q.
Identifiers: ClinVar variation 875435 (VCV000875435.11), dbSNP rs587619905, ClinGen allele CA1078873.